The following is an entry in ClinVar:

ClinVar aggregate classification (germline): Uncertain significance (1 of 4 stars; one submission).

Conditions:
Dyskeratosis congenita. Identifiers: Orphanet 1775, MedGen C0265965, MONDO:0015780.

gnomAD v4.1: 1 of 1,611,278 alleles (0.000062%); highest among the groups gnomAD compares: Non-Finnish European, 0.000085%; no homozygotes.

Submission:

Labcorp Genetics (formerly Invitae), Labcorp
Classification: Uncertain significance for Dyskeratosis congenita. Last evaluated: 2025-12-24. Review status: criteria provided, single submitter. Criteria: Invitae Variant Classification Sherloc (09022015). Collection method: clinical testing. Allele origin: germline.
Comment: This sequence change falls in intron 11 of the CTC1 gene. It does not directly change the encoded amino acid sequence of the CTC1 protein. This variant is not present in population databases (gnomAD no frequency). This variant has not been reported in the literature in individuals affected with CTC1-related conditions. Algorithms developed to predict the effect of sequence changes on RNA splicing suggest that this variant may create or strengthen a splice site. In summary, the available evidence is currently insufficient to determine the role of this variant in disease. Therefore, it has been classified as a Variant of Uncertain Significance.

NM_025099.6(CTC1):c.1946-7C>G

Gene: CTC1 (CST telomere replication complex component 1; minus strand). Cytogenetic location: 17p13.1.
Variant type: single nucleotide variant.
Coding change: c.1946-7C>G on transcript NM_025099.6 (MANE Select); 7 bases into the intron before coding-DNA position 1946, C replaced by G.
Molecular consequence: intron variant.
Genome position (GRCh38, 1-based): chr17:8,232,482, G>C on the plus strand (C>G on the coding strand, the complement: CTC1 is on the minus strand). VCF-style: chr17-8232482-G-C. GRCh37 (hg19) VCF-style: chr17-8135800-G-C.
Other names: c.1946-7C>G (NM_001411067.1).
Identifiers: ClinVar variation 4749928 (VCV004749928.1).